The following is an entry in ClinVar:

ClinVar aggregate classification (germline): Benign/Likely benign. Review status: criteria provided, multiple submitters, no conflicts (2 of 4 stars). 6 submissions from 6 submitters: Benign (1); Likely benign (5). Last evaluated 2026-01-19.

Conditions:
Hereditary cancer-predisposing syndrome. Also called: Tumor predisposition; Hereditary neoplastic syndrome; Hereditary Cancer Syndrome; Neoplastic Syndromes, Hereditary. Identifiers: Orphanet 140162, MedGen C0027672, MeSH D009386, MONDO:0015356.
Tuberous sclerosis 2 (TSC2). Identifiers: Orphanet 805, MedGen C1860707, MONDO:0013199, OMIM 613254.
Tuberous sclerosis syndrome (TSC). Also called: Tuberous Sclerosis Complex; Tuberous sclerosis. Identifiers: Orphanet 805, MedGen C0041341, MONDO:0001734.

Allele frequency attached by ClinVar (database versions not stated): gnomAD 0.00001; TOPMed 0.00001.
gnomAD v4.1: 5 of 1,611,784 alleles (0.00031%); highest among the groups gnomAD compares: Non-Finnish European, 0.00042%; no homozygotes.

Submissions (6):

Labcorp Genetics (formerly Invitae), Labcorp
Classification: Likely benign for Tuberous sclerosis 2. Last evaluated: 2026-01-19. Review status: criteria provided, single submitter. Criteria: Invitae Variant Classification Sherloc (09022015). Collection method: clinical testing. Allele origin: germline.

Myriad Genetics, Inc.
Classification: Benign for Tuberous sclerosis 2. Last evaluated: 2025-05-29. Review status: criteria provided, single submitter. Criteria: Myriad Autosomal Dominant, Autosomal Recessive and X-Linked Classification Criteria (2023). Collection method: clinical testing. Allele origin: unknown.
Comment: This variant is considered benign. This variant is a silent/synonymous amino acid change and it is not expected to impact splicing.

All of Us Research Program, National Institutes of Health
Classification: Likely benign for Tuberous sclerosis syndrome. Last evaluated: 2024-05-14. Review status: criteria provided, single submitter. Criteria: ACMG Guidelines, 2015. Collection method: clinical testing. Allele origin: germline. Inheritance: Autosomal dominant inheritance. Observed: 3 variant alleles, 3 heterozygotes.
Comment: This study involves interpretation of variants in research participants for the purpose of population health screening. Participant phenotype was not available at the time of variant classification. Additional details can be found in publication PMID: 35346344, PMCID: PMC8962531

Color Diagnostics, LLC DBA Color Health
Classification: Likely benign for Tuberous sclerosis syndrome. Last evaluated: 2023-04-19. Review status: criteria provided, single submitter. Criteria: ACMG Guidelines, 2015. Collection method: clinical testing. Allele origin: germline.

Sema4
Classification: Likely benign for Hereditary cancer-predisposing syndrome. Last evaluated: 2021-08-03. Review status: criteria provided, single submitter. Criteria: Sema4 Curation Guidelines. Collection method: curation. Allele origin: germline.

Ambry Genetics
Classification: Likely benign for Hereditary cancer-predisposing syndrome. Last evaluated: 2020-09-16. Review status: criteria provided, single submitter. Criteria: Ambry Variant Classification Scheme 2023. Collection method: clinical testing. Allele origin: germline.

NM_000548.5(TSC2):c.3594G>A (p.Leu1198=)

Gene: TSC2 (TSC complex subunit 2; plus strand). Cytogenetic location: 16p13.3.
Variant type: single nucleotide variant.
Coding change: c.3594G>A on transcript NM_000548.5 (MANE Select); coding-DNA position 3594, G replaced by A.
Protein change: p.Leu1198=; no amino-acid change (leucine 1198 retained).
Molecular consequence: synonymous variant.
Genome position (GRCh38, 1-based): chr16:2,080,361, G>A. VCF-style: chr16-2080361-G-A. GRCh37 (hg19) VCF-style: chr16-2130362-G-A.
Other names: c.3462G>A, p.Leu1154= (NM_001077183.3, NM_001370404.1); c.3594G>A, p.Leu1198= (NM_001114382.3); c.3354G>A, p.Leu1118= (NM_001318827.2); c.3318G>A, p.Leu1106= (NM_001318829.2); c.2862G>A, p.Leu954= (NM_001318831.2); c.3495G>A, p.Leu1165= (NM_001318832.2); c.3465G>A, p.Leu1155= (NM_001363528.2, NM_001370405.1, NM_021055.3).
Identifiers: ClinVar variation 698450 (VCV000698450.18), dbSNP rs202114637, ClinGen allele CA276746937.
Genomic context (GRCh38, chr16:2,080,361, plus strand): 5'-GGAGAAGACGAACCTGGCGGCCTATGTGCCCCTGCTGACCCAGGGCTGGGCGGAGATCCT[G>A]GTCCGGAGGCCCACAGGTACTGGGCGGGGCTGGCCTGAGCGCCATCTTTCTGCCAGTCAC-3'
Protein context (NP_000539.2, residues 1188-1208): PLLTQGWAEI[Leu1198=]VRRPTGNTSW